The following is an entry in ClinVar:

ClinVar aggregate classification (germline): Conflicting classifications of pathogenicity. Review status: criteria provided, conflicting classifications (1 of 4 stars). 4 submissions from 4 submitters: Uncertain significance (1); Benign (1); Likely benign (2). Last evaluated 2026-06-06.

Conditions:
Familial cancer of breast. Also called: BREAST CANCER, FAMILIAL; Hereditary breast cancer; hereditary breast carcinoma. Identifiers: Orphanet 227535, MedGen C0346153, MONDO:0016419, OMIM 114480. Disease mechanism: loss of function.
Hereditary cancer-predisposing syndrome. Also called: Hereditary neoplastic syndrome; Neoplastic Syndromes, Hereditary; Tumor predisposition; Hereditary Cancer Syndrome. Identifiers: Orphanet 140162, MedGen C0027672, MeSH D009386, MONDO:0015356.

Submissions (4):

Ambry Genetics
Classification: Likely benign for Hereditary cancer-predisposing syndrome. Last evaluated: 2026-06-06. Review status: criteria provided, single submitter. Criteria: Ambry Variant Classification Scheme 2023. Collection method: clinical testing. Allele origin: germline.

Myriad Genetics, Inc.
Classification: Benign for Familial cancer of breast. Last evaluated: 2024-07-18. Review status: criteria provided, single submitter. Criteria: Myriad Autosomal Dominant, Autosomal Recessive and X-Linked Classification Criteria (2023). Collection method: clinical testing. Allele origin: unknown.
Comment: This variant is considered benign. This variant is a silent/synonymous amino acid change and it is not expected to impact splicing.

GeneDx
Classification: Uncertain significance. Last evaluated: 2023-02-21. Review status: criteria provided, single submitter. Criteria: GeneDx Variant Classification Process June 2021. Collection method: clinical testing. Allele origin: germline. Affected: yes.
Comment: Not observed at significant frequency in large population cohorts (gnomAD); In silico analysis supports that this variant does not alter splicing; Has not been previously published as pathogenic or benign to our knowledge

Labcorp Genetics (formerly Invitae), Labcorp
Classification: Likely benign for Familial cancer of breast. Last evaluated: 2020-03-17. Review status: criteria provided, single submitter. Criteria: Invitae Variant Classification Sherloc (09022015). Collection method: clinical testing. Allele origin: germline.

NM_000465.4(BARD1):c.150C>T (p.Cys50=)

Gene: BARD1 (BRCA1 associated RING domain 1; minus strand). Cytogenetic location: 2q35.
Variant type: single nucleotide variant.
Coding change: c.150C>T on transcript NM_000465.4 (MANE Select); coding-DNA position 150, C replaced by T.
Protein change: p.Cys50=; no amino-acid change (cysteine 50 retained).
Molecular consequence: synonymous variant. On other transcripts: non-coding transcript variant (3).
Genome position (GRCh38, 1-based): chr2:214,809,420, G>A on the plus strand (C>T on the coding strand, the complement: BARD1 is on the minus strand). VCF-style: chr2-214809420-G-A. GRCh37 (hg19) VCF-style: chr2-215674144-G-A.
Other names: c.150C>T (NM_000465.2); c.150C>T, p.Cys50= (NM_001282543.2, NM_001282545.2, NM_001282548.2 and 1 more transcripts).
Identifiers: ClinVar variation 1079268 (VCV001079268.12), dbSNP rs2106170807, ClinGen allele CA350464756.